The following is an entry in ClinVar:

NM_002016.2(FLG):c.7946G>C (p.Ser2649Thr)

Genes: CCDST (cervical cancer associated DHX9 suppressive transcript; plus strand), FLG (filaggrin; minus strand). Cytogenetic location: 1q21.3.
Variant type: single nucleotide variant.
Coding change: c.7946G>C on transcript NM_002016.2 (MANE Select); coding-DNA position 7946, G replaced by C.
Protein change: p.Ser2649Thr; replaces serine 2649 with threonine.
Molecular consequence: missense variant.
Genome position (GRCh38, 1-based): chr1:152,306,940, C>G on the plus strand (G>C on the coding strand, the complement: FLG is on the minus strand). VCF-style: chr1-152306940-C-G. GRCh37 (hg19) VCF-style: chr1-152279416-C-G.
Other names: c.7946G>C (NM_002016.1); short protein forms S2649T.
Identifiers: ClinVar variation 1049005 (VCV001049005.22), dbSNP rs757903351, ClinGen allele CA1104471.
Genomic context (GRCh38, chr1:152,306,940, plus strand): 5'-CCTGAGTGTCTGGAGCTGTCTGCTGACTGCTGGTGGTGGGATCCATGTCTTTCTCCTGCA[C>G]TTGATCTTGCCTGTTCATGGGATGATGCAGCCTGTCCACCAGAGGAAGTCTGTGTGTGAC-3'
Protein context (NP_002007.1, residues 2639-2659): AASSHEQARS[Ser2649Thr]AGERHGSHHQ

ClinVar aggregate classification (germline): Uncertain significance. Review status: criteria provided, multiple submitters, no conflicts (2 of 4 stars). 3 submissions from 3 submitters: Uncertain significance (2). 1 of the submissions does not count toward it. Last evaluated 2025-03-26.

Conditions:
Inborn genetic diseases. Identifiers: MedGen C0950123, MeSH D030342.

Allele frequency attached by ClinVar (database versions not stated): gnomAD exomes 0.00020; ExAC 0.00030.

Submissions (3):

Ambry Genetics
Classification: Uncertain significance for Inborn genetic diseases. Last evaluated: 2025-03-26. Review status: criteria provided, single submitter. Criteria: Ambry Variant Classification Scheme 2023. Collection method: clinical testing. Allele origin: germline.

CeGaT Center for Human Genetics Tuebingen
Classification: Uncertain significance. Last evaluated: 2024-02-01. Review status: criteria provided, single submitter. Criteria: CeGaT Center For Human Genetics Tuebingen Variant Classification Criteria Version 2. Collection method: clinical testing. Allele origin: germline. Affected: yes. Observed: 1 variant allele.
Comment: FLG: PM2, BP4

Department of Pathology and Laboratory Medicine, Sinai Health System
Classification: Likely benign. Review status: no assertion criteria provided. Collection method: clinical testing. Allele origin: unknown. Affected: yes. Study: The Canadian Open Genetics Repository (COGR). Not counted in ClinVar's aggregate classification.
Comment: The FLG p.Ser2649Thr variant was not identified in the literature nor was it identified in ClinVar, Cosmic or LOVD 3.0. However, this missense variant is found in a gene for which the primary cause of disease is truncating variants. The variant was identified in dbSNP (ID: rs757903351) and in control databases in 49 of 231176 chromosomes at a frequency of 0.000212 (Genome Aggregation Database Feb 27, 2017). The variant was observed in the following populations: European (Finnish) in 11 of 21400 chromosomes (freq: 0.000514), Other in 3 of 6154 chromosomes (freq: 0.000488) and European (non-Finnish) in 35 of 103444 chromosomes (freq: 0.000338); it was not observed in the African, Latino, Ashkenazi Jewish, East Asian and South Asian populations. The variant occurs outside of the splicing consensus sequence and in silico or computational prediction software programs (SpliceSiteFinder, MaxEntScan, NNSPLICE, GeneSplicer) do not predict a difference in splicing. The p.Ser2649 residue is conserved in mammals however four out of five computational analyses (PolyPhen-2, AlignGVGD, BLOSUM, MutationTaster) do not suggest a high likelihood of impact to the protein; however, this information is not predictive enough to rule out pathogenicity. In summary, based on the above information the clinical significance of this variant cannot be determined with certainty at this time although we would lean towards a more benign role for this variant. This variant is classified as likely benign.